The following is an entry in ClinVar:

NM_001111125.3(IQSEC2):c.746G>C (p.Gly249Ala)

Gene: IQSEC2 (IQ motif and Sec7 domain ArfGEF 2; minus strand). Cytogenetic location: Xp11.22.
Variant type: single nucleotide variant.
Coding change: c.746G>C on transcript NM_001111125.3 (MANE Select); coding-DNA position 746, G replaced by C.
Protein change: p.Gly249Ala; replaces glycine 249 with alanine.
Molecular consequence: missense variant.
Genome position (GRCh38, 1-based): chrX:53,256,053, C>G on the plus strand (G>C on the coding strand, the complement: IQSEC2 is on the minus strand). VCF-style: chrX-53256053-C-G. GRCh37 (hg19) VCF-style: chrX-53285235-C-G.
Other names: c.131G>C, p.Gly44Ala (NM_015075.2); c.746G>C (NM_001111125.1); short protein forms G249A, G44A.
Identifiers: ClinVar variation 521369 (VCV000521369.15), dbSNP rs1556865202, ClinGen allele CA413172464.

ClinVar aggregate classification (germline): Uncertain significance. Review status: criteria provided, multiple submitters, no conflicts (2 of 4 stars). 4 submissions from 4 submitters: Uncertain significance (3). 1 of the submissions does not count toward it. Last evaluated 2024-08-02.

Conditions:
Inborn genetic diseases. Identifiers: MedGen C0950123, MeSH D030342.
Intellectual developmental disorder, X-linked 1. Also called: MENTAL RETARDATION, X-LINKED 18; MENTAL RETARDATION, X-LINKED 78; Intellectual disability, X-linked 1; Atkin Flaitz Patil Smith syndrome. Identifiers: Orphanet 777, MedGen C2931498, MONDO:0010656, OMIM 309530.
IQSEC2-related disorder. Also called: IQSEC2-related condition.

Allele frequency attached by ClinVar (database versions not stated): gnomAD 0.00002; TOPMed 0.00002.

Submissions (4):

GeneDx
Classification: Uncertain significance. Last evaluated: 2024-08-02. Review status: criteria provided, single submitter. Criteria: GeneDx Variant Classification Process June 2021. Collection method: clinical testing. Allele origin: germline. Affected: yes.
Comment: In silico analysis supports that this missense variant has a deleterious effect on protein structure/function; Has not been previously published as pathogenic or benign to our knowledge

Labcorp Genetics (formerly Invitae), Labcorp
Classification: Uncertain significance for Intellectual developmental disorder, X-linked 1. Last evaluated: 2023-12-11. Review status: criteria provided, single submitter. Criteria: Invitae Variant Classification Sherloc (09022015). Collection method: clinical testing. Allele origin: germline.
Comment: This sequence change replaces glycine, which is neutral and non-polar, with alanine, which is neutral and non-polar, at codon 249 of the IQSEC2 protein (p.Gly249Ala). This variant is not present in population databases (gnomAD no frequency). This variant has not been reported in the literature in individuals affected with IQSEC2-related conditions. ClinVar contains an entry for this variant (Variation ID: 521369). Advanced modeling of protein sequence and biophysical properties (such as structural, functional, and spatial information, amino acid conservation, physicochemical variation, residue mobility, and thermodynamic stability) performed at Invitae indicates that this missense variant is not expected to disrupt IQSEC2 protein function with a negative predictive value of 95%. In summary, the available evidence is currently insufficient to determine the role of this variant in disease. Therefore, it has been classified as a Variant of Uncertain Significance.

Ambry Genetics
Classification: Uncertain significance for Inborn genetic diseases. Last evaluated: 2022-07-06. Review status: criteria provided, single submitter. Criteria: Ambry Variant Classification Scheme 2023. Collection method: clinical testing. Allele origin: germline.

PreventionGenetics, part of Exact Sciences
Classification: Uncertain significance for IQSEC2-related condition. Last evaluated: 2024-04-23. Review status: no assertion criteria provided. Collection method: clinical testing. Allele origin: germline. Not counted in ClinVar's aggregate classification.
Comment: The IQSEC2 c.746G>C variant is predicted to result in the amino acid substitution p.Gly249Ala. To our knowledge, this variant has not been reported in the literature or in a large population database, indicating this variant is rare. At this time, the clinical significance of this variant is uncertain due to the absence of conclusive functional and genetic evidence.